The following is an entry in ClinVar:

NM_006946.4(SPTBN2):c.1458C>T (p.Ala486=)

Gene: SPTBN2 (spectrin beta, non-erythrocytic 2; minus strand). Cytogenetic location: 11q13.2.
Variant type: single nucleotide variant.
Coding change: c.1458C>T on transcript NM_006946.4 (MANE Select); coding-DNA position 1458, C replaced by T.
Protein change: p.Ala486=; no amino-acid change (alanine 486 retained).
Molecular consequence: synonymous variant.
Genome position (GRCh38, 1-based): chr11:66,707,711, G>A on the plus strand (C>T on the coding strand, the complement: SPTBN2 is on the minus strand). VCF-style: chr11-66707711-G-A. GRCh37 (hg19) VCF-style: chr11-66475182-G-A.
Other names: c.1479C>T, p.Ala493= (NM_001411025.1).
Identifiers: ClinVar variation 2965500 (VCV002965500.11), dbSNP rs576311723, ClinGen allele CA6129365.

ClinVar aggregate classification (germline): Likely benign. Review status: criteria provided, multiple submitters, no conflicts (2 of 4 stars). 2 submissions from 2 submitters: Likely benign (2). Last evaluated 2025-06-01.

Allele frequency attached by ClinVar (database versions not stated): gnomAD 0.00003; TOPMed 0.00003; ExAC 0.00004; 1000 Genomes Project 30x 0.00016; 1000 Genomes Project 0.00020.

Submissions (2):

CeGaT Center for Human Genetics Tuebingen
Classification: Likely benign. Last evaluated: 2025-06-01. Review status: criteria provided, single submitter. Criteria: CeGaT Center For Human Genetics Tuebingen Variant Classification Criteria Version 2. Collection method: clinical testing. Allele origin: germline. Affected: yes. Observed: 1 variant allele.
Comment: SPTBN2: BP4, BP7

Labcorp Genetics (formerly Invitae), Labcorp
Classification: Likely benign. Last evaluated: 2023-08-30. Review status: criteria provided, single submitter. Criteria: Invitae Variant Classification Sherloc (09022015). Collection method: clinical testing. Allele origin: germline.